The following is an entry in ClinVar:

ClinVar aggregate classification (germline): Uncertain significance (1 of 4 stars; one submission).

gnomAD v4.1: 1 of 1,566,584 alleles (0.000064%); highest among the groups gnomAD compares: Non-Finnish European, 0.000086%; no homozygotes.

Submission:

Ambry Genetics
Classification: Uncertain significance. Last evaluated: 2025-07-31. Review status: criteria provided, single submitter. Criteria: Ambry Variant Classification Scheme 2023. Collection method: clinical testing. Allele origin: germline.
Comment: The p.R898L variant (also known as c.2693G>T), located in coding exon 13 of the GEN1 gene, results from a G to T substitution at nucleotide position 2693. The arginine at codon 898 is replaced by leucine, an amino acid with dissimilar properties. This amino acid position is conserved. In addition, this alteration is predicted to be tolerated by in silico analysis. Based on the available evidence, the clinical significance of this variant remains unclear.

NM_001130009.3(GEN1):c.2693G>T (p.Arg898Leu)

Gene: GEN1 (GEN1 Holliday junction 5' flap endonuclease; plus strand). Cytogenetic location: 2p24.2.
Variant type: single nucleotide variant.
Coding change: c.2693G>T on transcript NM_001130009.3 (MANE Select); coding-DNA position 2693, G replaced by T.
Protein change: p.Arg898Leu; replaces arginine 898 with leucine.
Molecular consequence: missense variant.
Genome position (GRCh38, 1-based): chr2:17,781,905, G>T. VCF-style: chr2-17781905-G-T. GRCh37 (hg19) VCF-style: chr2-17963172-G-T.
Other names: c.2693G>T, p.Arg898Leu (NM_182625.5); short protein forms R898L.
Identifiers: ClinVar variation 4263049 (VCV004263049.1).